The following is an entry in ClinVar:

ClinVar aggregate classification (germline): Benign. Review status: criteria provided, multiple submitters, no conflicts (2 of 4 stars). 3 submissions from 3 submitters: Benign (3). Last evaluated 2026-07-01.

Conditions:
Glycogen storage disease, type II (IOPD). Also called: CARDIOMEGALIA GLYCOGENICA DIFFUSA; GLYCOGENOSIS, GENERALIZED, CARDIAC FORM; GSD II; Glycogen storage disease type 2; Acid maltase deficiency disease; Aglucosidase alfa. Identifiers: Orphanet 365, MedGen C0017921, MONDO:0009290, OMIM 232300.

Allele frequency attached by ClinVar (database versions not stated): TOPMed 0.73072; 1000 Genomes Project 30x 0.74032; 1000 Genomes Project 0.74042; gnomAD 0.74548 and 0.74633; gnomAD exomes 0.80074.
gnomAD v4.1: 113,824 of 152,654 alleles (75%); highest among the groups gnomAD compares: Middle Eastern, 86%; 42,748 homozygotes.

Submissions (3):

Genomenon, Inc
Classification: Benign for Glycogen storage disease, type II. Last evaluated: 2026-07-01. Review status: criteria provided, single submitter. Criteria: Genomenon Sequence Variant Interpretation Standards - Updated. Collection method: curation. Allele origin: germline. Affected: no.
Comment: GAA c.-33+219G>C is an intronic variant located in the 5′ untranslated region (5′ UTR). This variant is present at high allele frequency in population databases. We classify GAA c.-33+219G>C as a benign variant.

GeneDx
Classification: Benign. Last evaluated: 2018-07-03. Review status: criteria provided, single submitter. Criteria: GeneDx Variant Classification Process June 2021. Collection method: clinical testing. Allele origin: germline. Affected: yes.

Breakthrough Genomics
Classification: Benign. Review status: criteria provided, single submitter. Criteria: ACMG Guidelines, 2015. Collection method: not provided. Allele origin: germline. Inheritance: Autosomal recessive inheritance. Affected: yes.

NM_000152.5(GAA):c.-33+219G>C

Genes: GAA (alpha glucosidase; plus strand), LOC130061898 (ATAC-STARR-seq lymphoblastoid active region 12928; plus strand). Cytogenetic location: 17q25.3.
Variant type: single nucleotide variant.
Coding change: c.-33+219G>C on transcript NM_000152.5 (MANE Select); 219 bases into the intron after 33 bases upstream of the start codon, G replaced by C.
Molecular consequence: intron variant. On other transcripts: non-coding transcript variant (1).
Genome position (GRCh38, 1-based): chr17:80,102,109, G>C. VCF-style: chr17-80102109-G-C. GRCh37 (hg19) VCF-style: chr17-78075908-G-C.
Other names: c.-33+219G>C (NM_001079803.3); c.-33+484G>C (NM_001079804.3).
Identifiers: ClinVar variation 1237434 (VCV001237434.5), dbSNP rs4889961, ClinGen allele CA14478716.